The following is an entry in ClinVar:

ClinVar aggregate classification (germline): Likely benign (1 of 4 stars; one submission).

Allele frequency attached by ClinVar (database versions not stated): gnomAD exomes below 0.00001.
gnomAD v4.1: 5 of 1,614,210 alleles (0.00031%); highest among the groups gnomAD compares: Non-Finnish European, 0.00042%; no homozygotes.

Submission:

CeGaT Center for Human Genetics Tuebingen
Classification: Likely benign. Last evaluated: 2023-01-01. Review status: criteria provided, single submitter. Criteria: CeGaT Center For Human Genetics Tuebingen Variant Classification Criteria Version 2. Collection method: clinical testing. Allele origin: germline. Affected: yes. Observed: 1 variant allele.
Comment: SVIL: BP4, BP7

NM_021738.3(SVIL):c.4647A>G (p.Pro1549=)

Genes: SVIL (supervillin; minus strand), SVIL-AS1 (SVIL antisense RNA 1; plus strand). Cytogenetic location: 10p11.23.
Variant type: single nucleotide variant.
Coding change: c.4647A>G on transcript NM_021738.3 (MANE Select); coding-DNA position 4647, A replaced by G.
Protein change: p.Pro1549=; no amino-acid change (proline 1549 retained).
Molecular consequence: synonymous variant.
Genome position (GRCh38, 1-based): chr10:29,486,217, T>C on the plus strand (A>G on the coding strand, the complement: SVIL is on the minus strand). VCF-style: chr10-29486217-T-C. GRCh37 (hg19) VCF-style: chr10-29775146-T-C.
Other names: c.3717A>G, p.Pro1239= (NM_001323599.2); c.3465A>G, p.Pro1155= (NM_001323600.1); c.3369A>G, p.Pro1123= (NM_003174.3).
Identifiers: ClinVar variation 2640388 (VCV002640388.23), dbSNP rs1199179711, ClinGen allele CA468773458.